The following is an entry in ClinVar:

ClinVar aggregate classification (germline): Benign. Review status: criteria provided, multiple submitters, no conflicts (2 of 4 stars). 7 submissions from 7 submitters: Benign (6). 1 of the submissions does not count toward it. Last evaluated 2026-02-04.

Conditions:
Donnai-Barrow syndrome. Also called: DBS/FOAR SYNDROME; FACIOOCULOACOUSTICORENAL SYNDROME. Identifiers: Orphanet 2143, MedGen C1857277, MONDO:0009104, OMIM 222448.

Allele frequency attached by ClinVar (database versions not stated): gnomAD 0.03794 and 0.04079; 1000 Genomes Project 0.03894; ESP Exome Variant Server 0.04237; TOPMed 0.04331; 1000 Genomes Project 30x 0.04403; gnomAD exomes 0.00381; ExAC 0.01198.
gnomAD v4.1: 11,553 of 1,613,952 alleles (0.72%); highest among the groups gnomAD compares: African/African-American, 13%; 738 homozygotes.

Submissions (7):

Labcorp Genetics (formerly Invitae), Labcorp
Classification: Benign. Last evaluated: 2026-02-04. Review status: criteria provided, single submitter. Criteria: Invitae Variant Classification Sherloc (09022015). Collection method: clinical testing. Allele origin: germline.

Genome-Nilou Lab
Classification: Benign for Donnai-Barrow syndrome. Last evaluated: 2021-07-15. Review status: criteria provided, single submitter. Criteria: ACMG Guidelines, 2015. Collection method: clinical testing. Allele origin: germline. Affected: no.

GeneDx
Classification: Benign. Last evaluated: 2020-03-14. Review status: criteria provided, single submitter. Criteria: GeneDx Variant Classification Process June 2021. Collection method: clinical testing. Allele origin: germline. Affected: yes.

Illumina Laboratory Services, Illumina
Classification: Benign for Donnai-Barrow syndrome. Last evaluated: 2018-01-12. Review status: criteria provided, single submitter. Criteria: ICSL Variant Classification Criteria 13 December 2019. Collection method: clinical testing. Allele origin: germline.
Comment: This variant was observed in the ICSL laboratory as part of a predisposition screen in an ostensibly healthy population. It had not been previously curated by ICSL or reported in the Human Gene Mutation Database (HGMD: prior to June 1st, 2018), and was therefore a candidate for classification through an automated scoring system. Utilizing variant allele frequency, disease prevalence and penetrance estimates, and inheritance mode, an automated score was calculated to assess if this variant is too frequent to cause the disease. Based on the score and internal cut-off values, a variant classified as benign is not then subjected to further curation. The score for this variant resulted in a classification of benign for this disease.

Breakthrough Genomics
Classification: Benign. Review status: criteria provided, single submitter. Criteria: ACMG Guidelines, 2015. Collection method: not provided. Allele origin: germline. Inheritance: Autosomal recessive inheritance. Affected: yes.

PreventionGenetics, part of Exact Sciences
Classification: Benign. Review status: criteria provided, single submitter. Criteria: ACMG Guidelines, 2015. Collection method: clinical testing. Allele origin: germline.

Genetic Services Laboratory, University of Chicago
Classification: Likely benign for AllHighlyPenetrant. Review status: no assertion criteria provided. Collection method: clinical testing. Allele origin: germline. Inheritance: Autosomal recessive inheritance. Not counted in ClinVar's aggregate classification.
Comment: Likely benign based on allele frequency in 1000 Genomes Project or ESP global frequency and its presence in a patient with a rare or unrelated disease phenotype. NOT Sanger confirmed.

NM_004525.3(LRP2):c.13155C>T (p.His4385=)

Gene: LRP2 (LDL receptor related protein 2; minus strand). Cytogenetic location: 2q31.1.
Variant type: single nucleotide variant.
Coding change: c.13155C>T on transcript NM_004525.3 (MANE Select); coding-DNA position 13155, C replaced by T.
Protein change: p.His4385=; no amino-acid change (histidine 4385 retained).
Molecular consequence: synonymous variant.
Genome position (GRCh38, 1-based): chr2:169,140,499, G>A on the plus strand (C>T on the coding strand, the complement: LRP2 is on the minus strand). VCF-style: chr2-169140499-G-A. GRCh37 (hg19) VCF-style: chr2-169997009-G-A.
Identifiers: ClinVar variation 129504 (VCV000129504.22), dbSNP rs16856476, ClinGen allele CA153556.